The following is an entry in ClinVar:

NM_000492.4(CFTR):c.3980T>G (p.Val1327Gly)

Gene: CFTR (CF transmembrane conductance regulator; plus strand). Cytogenetic location: 7q31.2.
Variant type: single nucleotide variant.
Coding change: c.3980T>G on transcript NM_000492.4 (MANE Select); coding-DNA position 3980, T replaced by G.
Protein change: p.Val1327Gly; replaces valine 1327 with glycine.
Molecular consequence: missense variant.
Genome position (GRCh38, 1-based): chr7:117,664,704, T>G. VCF-style: chr7-117664704-T-G. GRCh37 (hg19) VCF-style: chr7-117304758-T-G.
Other names: short protein forms V1327G.
Identifiers: ClinVar variation 1982924 (VCV001982924.2), dbSNP rs900007100, ClinGen allele CA164960050.

ClinVar aggregate classification (germline): Uncertain significance. Review status: criteria provided, multiple submitters, no conflicts (2 of 4 stars). 2 submissions from 2 submitters: Uncertain significance (2). Last evaluated 2024-08-06.

Conditions:
Cystic fibrosis (CF). Also called: MUCOVISCIDOSIS. Identifiers: Orphanet 586, MedGen C0010674, MONDO:0009061, OMIM 219700. Disease mechanism: loss of function.

Allele frequency attached by ClinVar (database versions not stated): gnomAD 0.00001; gnomAD exomes below 0.00001; TOPMed 0.00002.
gnomAD v4.1: 7 of 1,613,836 alleles (0.00043%); highest among the groups gnomAD compares: Non-Finnish European, 0.00059%; no homozygotes.

Submissions (2):

Women's Health and Genetics/Laboratory Corporation of America, LabCorp
Classification: Uncertain significance. Last evaluated: 2024-08-06. Review status: criteria provided, single submitter. Criteria: LabCorp Variant Classification Summary - May 2015. Collection method: clinical testing. Allele origin: germline.
Comment: Variant summary: CFTR c.3980T>G (p.Val1327Gly) results in a non-conservative amino acid change located in the ABC transporter-like, ATP-binding domain (IPR003439) of the encoded protein sequence. Five of five in-silico tools predict a damaging effect of the variant on protein function. The variant was absent in 251116 control chromosomes. The available data on variant occurrences in the general population are insufficient to allow any conclusion about variant significance. c.3980T>G has been reported in the literature in unspecified individual(s) affected with isolated bilateral microphthalmia, without strong evidence for causality (Li_2022). These report(s) do not provide unequivocal conclusions about association of the variant with Cystic Fibrosis. To our knowledge, no experimental evidence demonstrating an impact on protein function has been reported. The following publication has been ascertained in the context of this evaluation (PMID: 35716026). ClinVar contains an entry for this variant (Variation ID: 1982924). Based on the evidence outlined above, the variant was classified as uncertain significance.

Labcorp Genetics (formerly Invitae), Labcorp
Classification: Uncertain significance for Cystic fibrosis. Last evaluated: 2022-07-18. Review status: criteria provided, single submitter. Criteria: Invitae Variant Classification Sherloc (09022015). Collection method: clinical testing. Allele origin: germline.
Comment: This sequence change replaces valine, which is neutral and non-polar, with glycine, which is neutral and non-polar, at codon 1327 of the CFTR protein (p.Val1327Gly). This variant is not present in population databases (gnomAD no frequency). This variant has not been reported in the literature in individuals affected with CFTR-related conditions. Algorithms developed to predict the effect of missense changes on protein structure and function (SIFT, PolyPhen-2, Align-GVGD) all suggest that this variant is likely to be tolerated. In summary, the available evidence is currently insufficient to determine the role of this variant in disease. Therefore, it has been classified as a Variant of Uncertain Significance.

Literature cited by the submitters: PubMed 35716026 (cited by Women's Health and Genetics/Laboratory Corporation of America, LabCorp).